The following is an entry in ClinVar:

NM_198570.5(VWC2):c.591G>A (p.Pro197=)

Gene: VWC2 (von Willebrand factor C domain containing 2; plus strand). Cytogenetic location: 7p12.2.
Variant type: single nucleotide variant.
Coding change: c.591G>A on transcript NM_198570.5 (MANE Select); coding-DNA position 591, G replaced by A.
Protein change: p.Pro197=; no amino-acid change (proline 197 retained).
Molecular consequence: synonymous variant. On other transcripts: non-coding transcript variant (1).
Genome position (GRCh38, 1-based): chr7:49,776,026, G>A. VCF-style: chr7-49776026-G-A. GRCh37 (hg19) VCF-style: chr7-49815622-G-A.
Identifiers: ClinVar variation 4084714 (VCV004084714.8).

ClinVar aggregate classification (germline): Likely benign (1 of 4 stars; one submission).

gnomAD v4.1: 2 of 1,545,950 alleles (0.00013%); highest among the groups gnomAD compares: Non-Finnish European, 0.00017%; no homozygotes.

Submission:

CeGaT Center for Human Genetics Tuebingen
Classification: Likely benign. Last evaluated: 2025-07-01. Review status: criteria provided, single submitter. Criteria: CeGaT Center For Human Genetics Tuebingen Variant Classification Criteria Version 2. Collection method: clinical testing. Allele origin: germline. Affected: yes. Observed: 1 variant allele.
Comment: VWC2: BP4, BP7